The following is an entry in ClinVar:

NM_015978.3(TNNI3K):c.1945T>C (p.Phe649Leu)

Genes: FPGT-TNNI3K (FPGT-TNNI3K readthrough; plus strand), TNNI3K (TNNI3 interacting kinase; plus strand). Cytogenetic location: 1p31.1.
Variant type: single nucleotide variant.
Coding change: c.1945T>C on transcript NM_015978.3 (MANE Select); coding-DNA position 1945, T replaced by C.
Protein change: p.Phe649Leu; replaces phenylalanine 649 with leucine.
Molecular consequence: missense variant.
Genome position (GRCh38, 1-based): chr1:74,439,556, T>C. VCF-style: chr1-74439556-T-C. GRCh37 (hg19) VCF-style: chr1-74905240-T-C.
Other names: c.2248T>C, p.Phe750Leu (NM_001112808.3, NM_001199327.2); short protein forms F649L, F750L.
Identifiers: ClinVar variation 4087897 (VCV004087897.1).

ClinVar aggregate classification (germline): Uncertain significance (1 of 4 stars; one submission).

Submission:

GeneDx
Classification: Uncertain significance. Last evaluated: 2025-03-26. Review status: criteria provided, single submitter. Criteria: GeneDx Variant Classification Process June 2021. Collection method: clinical testing. Allele origin: germline. Affected: yes.
Comment: Not observed at significant frequency in large population cohorts (gnomAD); In silico analysis supports that this missense variant has a deleterious effect on protein structure/function; Has not been previously published as pathogenic or benign to our knowledge